The following is an entry in ClinVar:

ClinVar aggregate classification (germline): Benign/Likely benign. Review status: criteria provided, multiple submitters, no conflicts (2 of 4 stars). 3 submissions from 3 submitters: Benign (1); Likely benign (2). Last evaluated 2026-06-09.

Conditions:
Tumor predisposition syndrome 2 (TPDS2). Also called: MBD4-Related Tumor Predisposition Syndrome; MBD4-associated neoplasia syndrome (MANS); MBD4-ASSOCIATED NEOPLASIA SYNDROME. Identifiers: Orphanet 661526, MedGen C5774186, MONDO:0859267, OMIM 619975.
Inborn genetic diseases. Identifiers: MedGen C0950123, MeSH D030342.

Submissions (3):

Myriad Genetics, Inc.
Classification: Benign for Tumor predisposition syndrome 2. Last evaluated: 2026-06-09. Review status: criteria provided, single submitter. Criteria: Myriad Autosomal Dominant, Autosomal Recessive and X-Linked Classification Criteria (2023). Collection method: clinical testing. Allele origin: unknown.
Comment: This variant is considered benign. This variant is a silent/synonymous amino acid change and it is not expected to impact splicing.

Labcorp Genetics (formerly Invitae), Labcorp
Classification: Likely benign. Last evaluated: 2025-09-06. Review status: criteria provided, single submitter. Criteria: Invitae Variant Classification Sherloc (09022015). Collection method: clinical testing. Allele origin: germline.

Ambry Genetics
Classification: Likely benign for Inborn genetic diseases. Last evaluated: 2025-04-25. Review status: criteria provided, single submitter. Criteria: Ambry Variant Classification Scheme 2023. Collection method: clinical testing. Allele origin: germline.

NM_001276270.2(MBD4):c.48T>C (p.Ala16=)

Genes: MBD4 (methyl-CpG binding domain 4, DNA glycosylase; minus strand), LOC129937550 (ATAC-STARR-seq lymphoblastoid active region 20512; plus strand). Cytogenetic location: 3q21.3.
Variant type: single nucleotide variant.
Coding change: c.48T>C on transcript NM_001276270.2 (MANE Select); coding-DNA position 48, T replaced by C.
Protein change: p.Ala16=; no amino-acid change (alanine 16 retained).
Molecular consequence: synonymous variant.
Genome position (GRCh38, 1-based): chr3:129,439,786, A>G on the plus strand (T>C on the coding strand, the complement: MBD4 is on the minus strand). VCF-style: chr3-129439786-A-G. GRCh37 (hg19) VCF-style: chr3-129158629-A-G.
Other names: c.48T>C, p.Ala16= (NM_001276272.2, NM_001276273.2, NM_003925.3 and 1 more transcripts).
Identifiers: ClinVar variation 3686579 (VCV003686579.4).
Genomic context (GRCh38, chr3:129,439,786, plus strand): 5'-TTACCGGAGGTCATTCGGCGGGTCTGGGACTAGGCGCTCACTAGAGGTGACGGTGGGGGC[A>G]GCTCCGCGGTCCCCCAGACTCAGACTCTCCAGCCCAGTCGTGCCCATCGAGCAGGGTCCG-3'
Protein context (NP_001263199.1, residues 6-26): LESLSLGDRG[Ala16=]APTVTSSERL